The following is an entry in ClinVar:

ClinVar aggregate classification (germline): Uncertain significance (1 of 4 stars; one submission).

gnomAD v4.1: 17 of 1,614,024 alleles (0.0011%); highest among the groups gnomAD compares: East Asian, 0.013%; no homozygotes.

Submission:

Labcorp Genetics (formerly Invitae), Labcorp
Classification: Uncertain significance. Last evaluated: 2025-05-07. Review status: criteria provided, single submitter. Criteria: Invitae Variant Classification Sherloc (09022015). Collection method: clinical testing. Allele origin: germline.
Comment: This sequence change replaces alanine, which is neutral and non-polar, with threonine, which is neutral and polar, at codon 474 of the ACTN1 protein (p.Ala474Thr). This variant is present in population databases (rs762144250, gnomAD 0.05%), and has an allele count higher than expected for a pathogenic variant. This variant has not been reported in the literature in individuals affected with ACTN1-related conditions. Invitae Evidence Modeling of protein sequence and biophysical properties (such as structural, functional, and spatial information, amino acid conservation, physicochemical variation, residue mobility, and thermodynamic stability) indicates that this missense variant is not expected to disrupt ACTN1 protein function with a negative predictive value of 80%. In summary, the available evidence is currently insufficient to determine the role of this variant in disease. Therefore, it has been classified as a Variant of Uncertain Significance.

NM_001130004.2(ACTN1):c.1420G>A (p.Ala474Thr)

Gene: ACTN1 (actinin alpha 1; minus strand). Cytogenetic location: 14q24.1.
Variant type: single nucleotide variant.
Coding change: c.1420G>A on transcript NM_001130004.2 (MANE Select); coding-DNA position 1420, G replaced by A.
Protein change: p.Ala474Thr; replaces alanine 474 with threonine.
Molecular consequence: missense variant.
Genome position (GRCh38, 1-based): chr14:68,884,849, C>T on the plus strand (G>A on the coding strand, the complement: ACTN1 is on the minus strand). VCF-style: chr14-68884849-C-T. GRCh37 (hg19) VCF-style: chr14-69351566-C-T.
Other names: c.1420G>A, p.Ala474Thr (NM_001102.4, NM_001130005.2, NM_001424012.1 and 7 more transcripts); c.1444G>A, p.Ala482Thr (NM_001411035.1, NM_001424016.1); c.1225G>A, p.Ala409Thr (NM_001411036.1, NM_001424026.1, NM_001424028.1); c.1546G>A, p.Ala516Thr (NM_001424013.1); c.1507G>A, p.Ala503Thr (NM_001424015.1); c.1417G>A, p.Ala473Thr (NM_001424017.1); c.1381G>A, p.Ala461Thr (NM_001424018.1); c.1357G>A, p.Ala453Thr (NM_001424020.1, NM_001424022.1); and 2 more; short protein forms A199T, A409T, A451T, A453T, A461T, A473T, A474T, A482T.
Identifiers: ClinVar variation 4812004 (VCV004812004.1).